The following is an entry in ClinVar:

NM_007199.3(IRAK3):c.864G>T (p.Ser288=)

Gene: IRAK3 (interleukin 1 receptor associated kinase 3; plus strand). Cytogenetic location: 12q14.3.
Variant type: single nucleotide variant.
Coding change: c.864G>T on transcript NM_007199.3 (MANE Select); coding-DNA position 864, G replaced by T.
Protein change: p.Ser288=; no amino-acid change (serine 288 retained).
Molecular consequence: synonymous variant.
Genome position (GRCh38, 1-based): chr12:66,228,347, G>T. VCF-style: chr12-66228347-G-T. GRCh37 (hg19) VCF-style: chr12-66622127-G-T.
Other names: c.681G>T, p.Ser227= (NM_001142523.2).
Identifiers: ClinVar variation 3049609 (VCV003049609.2), dbSNP rs535521918, ClinGen allele CA238310566.

ClinVar aggregate classification (germline): Likely benign (0 of 4 stars; one submission).

Conditions:
IRAK3-related disorder. Also called: IRAK3-related condition.

gnomAD v4.1: 7 of 1,612,976 alleles (0.00043%); highest among the groups gnomAD compares: African/African-American, 0.0013%; no homozygotes.

Submission:

PreventionGenetics, part of Exact Sciences
Classification: Likely benign for IRAK3-related condition. Last evaluated: 2019-07-10. Review status: no assertion criteria provided. Collection method: clinical testing. Allele origin: germline.
Comment: This variant is classified as likely benign based on ACMG/AMP sequence variant interpretation guidelines (Richards et al. 2015 PMID: 25741868, with internal and published modifications).